The following is an entry in ClinVar:

NM_015272.5(RPGRIP1L):c.3844G>A (p.Ala1282Thr)

Gene: RPGRIP1L (RPGRIP1 like; minus strand). Cytogenetic location: 16q12.2.
Variant type: single nucleotide variant.
Coding change: c.3844G>A on transcript NM_015272.5 (MANE Select); coding-DNA position 3844, G replaced by A.
Protein change: p.Ala1282Thr; replaces alanine 1282 with threonine.
Molecular consequence: missense variant.
Genome position (GRCh38, 1-based): chr16:53,602,180, C>T on the plus strand (G>A on the coding strand, the complement: RPGRIP1L is on the minus strand). VCF-style: chr16-53602180-C-T. GRCh37 (hg19) VCF-style: chr16-53636092-C-T.
Other names: c.3604G>A, p.Ala1202Thr (NM_001127897.4); c.3706G>A, p.Ala1236Thr (NM_001308334.3); c.3742G>A, p.Ala1248Thr (NM_001330538.2); short protein forms A1248T, A1282T, A1236T, A1202T.
Identifiers: ClinVar variation 1438372 (VCV001438372.7), dbSNP rs2150909535, ClinGen allele CA395919111.

ClinVar aggregate classification (germline): Uncertain significance. Review status: criteria provided, multiple submitters, no conflicts (2 of 4 stars). 2 submissions from 2 submitters: Uncertain significance (2). Last evaluated 2024-01-24.

Conditions:
Joubert syndrome. Also called: CEREBELLOPARENCHYMAL DISORDER IV; JOUBERT-BOLTSHAUSER SYNDROME; Familial aplasia of the vermis. Identifiers: Orphanet 475, MedGen C5979921, MONDO:0018772.
Meckel-Gruber syndrome. Also called: DYSENCEPHALIA SPLANCHNOCYSTICA; GRUBER SYNDROME; Dysencephalia splachnocystica. Identifiers: Orphanet 564, MedGen C0265215, MONDO:0018921.
Meckel syndrome, type 5 (MKS5). Identifiers: Orphanet 564, MedGen C1969052, MONDO:0012695, OMIM 611561.
COACH syndrome 3. Identifiers: MedGen C5436841, MONDO:0030862, OMIM 619113.
Joubert syndrome 7 (JBTS7). Identifiers: Orphanet 220497, MedGen C1969053, MONDO:0012694, OMIM 611560.

gnomAD v4.1: 2 of 1,610,646 alleles (0.00012%); highest among the groups gnomAD compares: Non-Finnish European, 0.00017%; no homozygotes.

Submissions (2):

Fulgent Genetics
Classification: Uncertain significance for Joubert syndrome 7; Meckel syndrome, type 5; COACH syndrome 3. Last evaluated: 2024-01-24. Review status: criteria provided, single submitter. Criteria: ACMG Guidelines, 2015. Collection method: clinical testing. Allele origin: germline.

Labcorp Genetics (formerly Invitae), Labcorp
Classification: Uncertain significance for Joubert syndrome; Meckel-Gruber syndrome. Last evaluated: 2021-08-27. Review status: criteria provided, single submitter. Criteria: Invitae Variant Classification Sherloc (09022015). Collection method: clinical testing. Allele origin: germline.
Comment: This sequence change replaces alanine with threonine at codon 1282 of the RPGRIP1L protein (p.Ala1282Thr). The alanine residue is moderately conserved and there is a small physicochemical difference between alanine and threonine. This variant is not present in population databases (ExAC no frequency). This variant has not been reported in the literature in individuals affected with RPGRIP1L-related conditions. Algorithms developed to predict the effect of missense changes on protein structure and function output the following: SIFT: "Tolerated"; PolyPhen-2: "Benign"; Align-GVGD: "Class C0". The threonine amino acid residue is found in multiple mammalian species, which suggests that this missense change does not adversely affect protein function. In summary, the available evidence is currently insufficient to determine the role of this variant in disease. Therefore, it has been classified as a Variant of Uncertain Significance.